The following is an entry in ClinVar:

NM_001382391.1(CSPP1):c.3220+13A>G

Genes: ARFGEF1 (ARF guanine nucleotide exchange factor 1; minus strand), CSPP1 (centrosome and spindle pole associated protein 1; plus strand). Cytogenetic location: 8q13.2.
Variant type: single nucleotide variant.
Coding change: c.3220+13A>G on transcript NM_001382391.1 (MANE Select); 13 bases into the intron after coding-DNA position 3220, A replaced by G.
Molecular consequence: intron variant.
Genome position (GRCh38, 1-based): chr8:67,179,939, A>G. VCF-style: chr8-67179939-A-G. GRCh37 (hg19) VCF-style: chr8-68092174-A-G.
Other names: c.3025+13A>G (NM_001363132.2); c.3139+13A>G (NM_001363131.2); c.2944+13A>G (NM_001363133.2); c.3286+13A>G (NM_001364869.1); c.3205+13A>G (NM_024790.7, NM_001438331.1); c.3052+13A>G (NM_001438330.1); c.3106+13A>G (NM_001364870.1); c.2521+13A>G (NM_001438332.1); and 3 more.
Identifiers: ClinVar variation 380565 (VCV000380565.11), dbSNP rs139491415, ClinGen allele CA4771096.

ClinVar aggregate classification (germline): Benign. Review status: criteria provided, multiple submitters, no conflicts (2 of 4 stars). 3 submissions from 3 submitters: Benign (3). Last evaluated 2026-02-01.

Conditions:
Joubert syndrome 21 (JBTS21). Identifiers: MedGen C3810212, MONDO:0014288, OMIM 615636.

Allele frequency attached by ClinVar (database versions not stated): TOPMed 0.00423; gnomAD 0.00625 and 0.00607; 1000 Genomes Project 30x 0.00281; ESP Exome Variant Server 0.00498; 1000 Genomes Project 0.00339; gnomAD exomes 0.00692 and 0.00624; ExAC 0.00635.
gnomAD v4.1: 8,889 of 1,424,710 alleles (0.62%); highest among the groups gnomAD compares: Middle Eastern, 0.98%; 61 homozygotes.

Submissions (3):

Labcorp Genetics (formerly Invitae), Labcorp
Classification: Benign for Joubert syndrome 21. Last evaluated: 2026-02-01. Review status: criteria provided, single submitter. Criteria: Invitae Variant Classification Sherloc (09022015). Collection method: clinical testing. Allele origin: germline.

GeneDx
Classification: Benign. Last evaluated: 2016-05-02. Review status: criteria provided, single submitter. Criteria: GeneDx Variant Classification (06012015). Collection method: clinical testing. Allele origin: germline. Affected: yes.
Comment: This variant is considered likely benign or benign based on one or more of the following criteria: it is a conservative change, it occurs at a poorly conserved position in the protein, it is predicted to be benign by multiple in silico algorithms, and/or has population frequency not consistent with disease.

Breakthrough Genomics
Classification: Benign. Review status: criteria provided, single submitter. Criteria: ACMG Guidelines, 2015. Collection method: not provided. Allele origin: germline. Inheritance: Autosomal recessive inheritance. Affected: yes.